The following is an entry in ClinVar:

ClinVar aggregate classification (germline): Uncertain significance (1 of 4 stars; one submission).

Submission:

Labcorp Genetics (formerly Invitae), Labcorp
Classification: Uncertain significance. Last evaluated: 2022-01-29. Review status: criteria provided, single submitter. Criteria: Invitae Variant Classification Sherloc (09022015). Collection method: clinical testing. Allele origin: germline.
Comment: In summary, the available evidence is currently insufficient to determine the role of this variant in disease. Therefore, it has been classified as a Variant of Uncertain Significance. Advanced modeling of protein sequence and biophysical properties (such as structural, functional, and spatial information, amino acid conservation, physicochemical variation, residue mobility, and thermodynamic stability) performed at Invitae indicates that this missense variant is not expected to disrupt COL11A1 protein function. This variant has not been reported in the literature in individuals affected with COL11A1-related conditions. This variant is not present in population databases (gnomAD no frequency). This sequence change replaces proline, which is neutral and non-polar, with alanine, which is neutral and non-polar, at codon 1455 of the COL11A1 protein (p.Pro1455Ala).

NM_001854.4(COL11A1):c.4363C>G (p.Pro1455Ala)

Gene: COL11A1 (collagen type XI alpha 1 chain; minus strand). Cytogenetic location: 1p21.1.
Variant type: single nucleotide variant.
Coding change: c.4363C>G on transcript NM_001854.4 (MANE Select); coding-DNA position 4363, C replaced by G.
Protein change: p.Pro1455Ala; replaces proline 1455 with alanine.
Molecular consequence: missense variant. On other transcripts: non-coding transcript variant (1).
Genome position (GRCh38, 1-based): chr1:102,889,556, G>C on the plus strand (C>G on the coding strand, the complement: COL11A1 is on the minus strand). VCF-style: chr1-102889556-G-C. GRCh37 (hg19) VCF-style: chr1-103355112-G-C.
Other names: c.4015C>G, p.Pro1339Ala (NM_001168249.1, NM_080630.4); c.4246C>G, p.Pro1416Ala (NM_001190709.2); c.4399C>G, p.Pro1467Ala (NM_080629.3); short protein forms P1339A, P1416A, P1467A, P1455A.
Identifiers: ClinVar variation 2091066 (VCV002091066.4), dbSNP rs184965786, ClinGen allele CA341212783.